The following is an entry in ClinVar:

ClinVar aggregate classification (germline): Uncertain significance (1 of 4 stars; one submission).

gnomAD v4.1: 1 of 1,606,940 alleles (0.000062%); no homozygotes.

Submission:

GeneDx
Classification: Uncertain significance. Last evaluated: 2025-01-30. Review status: criteria provided, single submitter. Criteria: GeneDx Variant Classification Process June 2021. Collection method: clinical testing. Allele origin: germline. Affected: yes.
Comment: Not observed at significant frequency in large population cohorts (gnomAD); In silico analysis supports that this missense variant has a deleterious effect on protein structure/function; Has not been previously published as pathogenic or benign to our knowledge

NM_001039141.3(TRIOBP):c.3803A>G (p.Glu1268Gly)

Gene: TRIOBP (TRIO and F-actin binding protein; plus strand). Cytogenetic location: 22q13.1.
Variant type: single nucleotide variant.
Coding change: c.3803A>G on transcript NM_001039141.3 (MANE Select); coding-DNA position 3803, A replaced by G.
Protein change: p.Glu1268Gly; replaces glutamic acid 1268 with glycine.
Molecular consequence: missense variant.
Genome position (GRCh38, 1-based): chr22:37,726,359, A>G. VCF-style: chr22-37726359-A-G. GRCh37 (hg19) VCF-style: chr22-38122366-A-G.
Other names: short protein forms E1268G.
Identifiers: ClinVar variation 1196698 (VCV001196698.4), dbSNP rs1924160280, ClinGen allele CA411482169.
Genomic context (GRCh38, chr22:37,726,359, plus strand): 5'-GCTCTGGGGGCTCCCGGGGCTCAGCGCCTCCCGGGGAGACCAGGCACAACTTGGAGCGGG[A>G]GGAGTACACTGTGCTGGCCGACCTGCCCCCACCCAGGAGGCTGGCCCAGAGACAGCCAGG-3'
Protein context (NP_001034230.1, residues 1258-1278): PGETRHNLER[Glu1268Gly]EYTVLADLPP